The following is an entry in ClinVar:

ClinVar aggregate classification (germline): Uncertain significance (1 of 4 stars; one submission).

Submission:

Ambry Genetics
Classification: Uncertain significance. Last evaluated: 2022-11-24. Review status: criteria provided, single submitter. Criteria: Ambry Variant Classification Scheme 2023. Collection method: clinical testing. Allele origin: germline.
Comment: The p.M1411I variant (also known as c.4233G>T), located in coding exon 39 of the KIF1B gene, results from a G to T substitution at nucleotide position 4233. The methionine at codon 1411 is replaced by isoleucine, an amino acid with highly similar properties. This amino acid position is conserved. In addition, the in silico prediction for this alteration is inconclusive. Since supporting evidence is limited at this time, the clinical significance of this alteration remains unclear.

NM_001365951.3(KIF1B):c.4371G>T (p.Met1457Ile)

Gene: KIF1B (kinesin family member 1B; plus strand). Cytogenetic location: 1p36.22.
Variant type: single nucleotide variant.
Coding change: c.4371G>T on transcript NM_001365951.3 (MANE Select); coding-DNA position 4371, G replaced by T.
Protein change: p.Met1457Ile; replaces methionine 1457 with isoleucine.
Molecular consequence: missense variant.
Genome position (GRCh38, 1-based): chr1:10,365,104, G>T. VCF-style: chr1-10365104-G-T. GRCh37 (hg19) VCF-style: chr1-10425162-G-T.
Other names: c.4371G>T, p.Met1457Ile (NM_001365952.1); c.4233G>T, p.Met1411Ile (NM_015074.3); short protein forms M1411I, M1457I.
Identifiers: ClinVar variation 2448713 (VCV002448713.2), dbSNP rs2521910924, ClinGen allele CA338319900.